The following is an entry in ClinVar:

ClinVar aggregate classification (germline): Uncertain significance. Review status: criteria provided, multiple submitters, no conflicts (2 of 4 stars). 5 submissions from 4 submitters: Uncertain significance (5). Last evaluated 2024-02-02.

Conditions:
Autosomal dominant nonsyndromic hearing loss 23. Identifiers: Orphanet 90635, MedGen C1854594, MONDO:0011519, OMIM 605192.
Branchiootic syndrome 3 (BOS3). Also called: BO SYNDROME 3. Identifiers: MedGen C1842124, MONDO:0012025, OMIM 608389.

Allele frequency attached by ClinVar (database versions not stated): TOPMed 0.00002; gnomAD 0.00003 and 0.00004; ESP Exome Variant Server 0.00008.

Submissions (5):

Fulgent Genetics
Classification: Uncertain significance for Autosomal dominant nonsyndromic hearing loss 23; Branchiootic syndrome 3. Last evaluated: 2024-02-02. Review status: criteria provided, single submitter. Criteria: ACMG Guidelines, 2015. Collection method: clinical testing. Allele origin: germline.

GeneDx
Classification: Uncertain significance. Last evaluated: 2020-10-05. Review status: criteria provided, single submitter. Criteria: GeneDx Variant Classification Process June 2021. Collection method: clinical testing. Allele origin: germline. Affected: yes.
Comment: In silico analysis, which includes protein predictors and evolutionary conservation, supports that this variant does not alter protein structure/function; Reported as benign in published literature, but additional evidence is not available (Preethi et al., 2015)

Revvity Omics, Revvity
Classification: Uncertain significance. Last evaluated: 2019-07-29. Review status: criteria provided, single submitter. Criteria: ACMG Guidelines, 2015. Collection method: clinical testing. Allele origin: germline.

Illumina Laboratory Services, Illumina
Classification: Uncertain significance for Autosomal dominant nonsyndromic hearing loss 23. Last evaluated: 2017-04-27. Review status: criteria provided, single submitter. Criteria: ICSL Variant Classification Criteria 13 December 2019. Collection method: clinical testing. Allele origin: germline.

Illumina Laboratory Services, Illumina
Classification: Uncertain significance for Branchiootic syndrome 3. Last evaluated: 2017-04-27. Review status: criteria provided, single submitter. Criteria: ICSL Variant Classification Criteria 13 December 2019. Collection method: clinical testing. Allele origin: germline.

NM_005982.4(SIX1):c.681C>A (p.Asp227Glu)

Gene: SIX1 (SIX homeobox 1; minus strand). Cytogenetic location: 14q23.1.
Variant type: single nucleotide variant.
Coding change: c.681C>A on transcript NM_005982.4 (MANE Select); coding-DNA position 681, C replaced by A.
Protein change: p.Asp227Glu; replaces aspartic acid 227 with glutamic acid.
Molecular consequence: missense variant.
Genome position (GRCh38, 1-based): chr14:60,646,457, G>T on the plus strand (C>A on the coding strand, the complement: SIX1 is on the minus strand). VCF-style: chr14-60646457-G-T. GRCh37 (hg19) VCF-style: chr14-61113175-G-T.
Other names: short protein forms D227E.
Identifiers: ClinVar variation 884095 (VCV000884095.8), dbSNP rs149265761, ClinGen allele CA261720668.